The following is an entry in ClinVar:

ClinVar aggregate classification (germline): Likely pathogenic (1 of 4 stars; one submission).

Submission:

Dasa
Classification: Likely pathogenic. Last evaluated: 2024-10-23. Review status: criteria provided, single submitter. Criteria: DASA Assertion Criteria. Collection method: clinical testing. Allele origin: germline.
Comment: NM_000138.5(FBN1):c.3936del (p.Gly1313Alafs*100) is a frameshift variant in FBN1 predicted to alter the reading frame and introduce a premature termination codon and is predicted to result in an absent or altered protein product. Loss of function is an established disease mechanism for FBN1 (PMID: 17701892; PMID: 30286810; PMID: 21063442). Also, this variant is absent from population databases. Based on the currently available evidence, this variant is classified as likely pathogenic.

Literature cited by the submitters: PubMed 17701892; PubMed 30286810; PubMed 21063442.

NM_000138.5(FBN1):c.3936del (p.Gly1313fs)

Gene: FBN1 (fibrillin 1; minus strand). Cytogenetic location: 15q21.1.
Variant type: Deletion.
Coding change: c.3936del on transcript NM_000138.5 (MANE Select); coding-DNA position 3936, one base deleted (C; older notation c.3936delC).
Protein change: p.Gly1313fs; shifts the reading frame from glycine 1313.
Molecular consequence: frameshift variant.
Genome position (GRCh38, 1-based): chr15:48,481,683, G deleted on the plus strand (C on the coding strand, the reverse complement: FBN1 is on the minus strand); the first of 2 consecutive G bases (chr15:48,481,683-48,481,684); deleting either gives the same sequence. VCF-style (leftmost placement, unchanged base first): chr15-48481682-CG-C. GRCh37 (hg19) VCF-style: chr15-48773879-CG-C.
Other names: c.3936del, p.Gly1313fs (NM_001406716.1); short protein forms G1313fs.
Identifiers: ClinVar variation 4880609 (VCV004880609.2).